The following is an entry in ClinVar:

ClinVar aggregate classification (germline): Uncertain significance. Review status: criteria provided, multiple submitters, no conflicts (2 of 4 stars). 2 submissions from 2 submitters: Uncertain significance (2). Last evaluated 2024-11-22.

Allele frequency attached by ClinVar (database versions not stated): gnomAD 0.00001.
gnomAD v4.1: 18 of 1,613,108 alleles (0.0011%); highest among the groups gnomAD compares: Middle Eastern, 0.016%; 1 homozygote.

Submissions (2):

Blueprint Genetics
Classification: Uncertain significance. Last evaluated: 2024-11-22. Review status: criteria provided, single submitter. Criteria: ACMG Guidelines, 2015. Collection method: clinical testing. Allele origin: germline.

Labcorp Genetics (formerly Invitae), Labcorp
Classification: Uncertain significance. Last evaluated: 2022-07-06. Review status: criteria provided, single submitter. Criteria: Invitae Variant Classification Sherloc (09022015). Collection method: clinical testing. Allele origin: germline.
Comment: This sequence change replaces proline, which is neutral and non-polar, with leucine, which is neutral and non-polar, at codon 1493 of the KIAA1549 protein (p.Pro1493Leu). This variant is present in population databases (rs770070506, gnomAD 0.02%). This variant has not been reported in the literature in individuals affected with KIAA1549-related conditions. ClinVar contains an entry for this variant (Variation ID: 1056708). Algorithms developed to predict the effect of missense changes on protein structure and function (SIFT, PolyPhen-2, Align-GVGD) all suggest that this variant is likely to be disruptive. In summary, the available evidence is currently insufficient to determine the role of this variant in disease. Therefore, it has been classified as a Variant of Uncertain Significance.

NM_001164665.2(KIAA1549):c.4478C>T (p.Pro1493Leu)

Gene: KIAA1549 (KIAA1549; minus strand). Cytogenetic location: 7q34.
Variant type: single nucleotide variant.
Coding change: c.4478C>T on transcript NM_001164665.2 (MANE Select); coding-DNA position 4478, C replaced by T.
Protein change: p.Pro1493Leu; replaces proline 1493 with leucine.
Molecular consequence: missense variant.
Genome position (GRCh38, 1-based): chr7:138,871,230, G>A on the plus strand (C>T on the coding strand, the complement: KIAA1549 is on the minus strand). VCF-style: chr7-138871230-G-A. GRCh37 (hg19) VCF-style: chr7-138555976-G-A.
Other names: c.4478C>T, p.Pro1493Leu (NM_020910.3); short protein forms P1493L.
Identifiers: ClinVar variation 1056708 (VCV001056708.8), dbSNP rs770070506, ClinGen allele CA4505886.
Genomic context (GRCh38, chr7:138,871,230, plus strand): 5'-TTATTGCTTTCCGCCACTCGGTCGGCTGGGGAGGGGCGCTGGACGGGAGGTGCCGGGATC[G>A]GCTGCATGGCGATAAGCTGGATCTTACTGGGGACCCGCCGGCTAGCCTCCGGGGGGCGGG-3'
Protein context (NP_001158137.1, residues 1483-1503): PSKIQLIAMQ[Pro1493Leu]IPAPPVQRPS